The following is an entry in ClinVar:

ClinVar aggregate classification (germline): Conflicting classifications of pathogenicity. Review status: criteria provided, conflicting classifications (1 of 4 stars). 5 submissions from 5 submitters: Pathogenic (1); Likely pathogenic (2); Uncertain significance (2). Last evaluated 2026-02-17.

Conditions:
TELO2-related disorder. Also called: TELO2-related condition.
TELO2-related intellectual disability-neurodevelopmental disorder. Also called: You-Hoover-Fong syndrome. Identifiers: Orphanet 488642, MedGen C4310778, MONDO:0014848, OMIM 616954.

Allele frequency attached by ClinVar (database versions not stated): ExAC 0.00004; gnomAD exomes 0.00004; gnomAD 0.00007 and 0.00009; ESP Exome Variant Server 0.00008; TOPMed 0.00011.
gnomAD v4.1: 81 of 1,594,908 alleles (0.0051%); highest among the groups gnomAD compares: African/African-American, 0.012%; no homozygotes.

Submissions (5):

GeneDx
Classification: Uncertain significance. Last evaluated: 2026-02-17. Review status: criteria provided, single submitter. Criteria: GeneDx Variant Classification Process June 2021. Collection method: clinical testing. Allele origin: germline.
Comment: In silico analysis supports that this missense variant has a deleterious effect on protein structure/function; This variant is associated with the following publications: (PMID: 28944240, 36797513, 39704248, 41553761)

Labcorp Genetics (formerly Invitae), Labcorp
Classification: Pathogenic. Last evaluated: 2025-08-11. Review status: criteria provided, single submitter. Criteria: Invitae Variant Classification Sherloc (09022015). Collection method: clinical testing. Allele origin: germline.
Comment: This sequence change replaces leucine, which is neutral and non-polar, with serine, which is neutral and polar, at codon 771 of the TELO2 protein (p.Leu771Ser). This variant is present in population databases (rs201230315, gnomAD 0.02%). This missense change has been observed in individual(s) with You-Hoover-Fong syndrome (PMID: 28944240). In at least one individual the data is consistent with being in trans (on the opposite chromosome) from a pathogenic variant. It has also been observed to segregate with disease in related individuals. ClinVar contains an entry for this variant (Variation ID: 1331679). Invitae Evidence Modeling of protein sequence and biophysical properties (such as structural, functional, and spatial information, amino acid conservation, physicochemical variation, residue mobility, and thermodynamic stability) indicates that this missense variant is expected to disrupt TELO2 protein function with a positive predictive value of 95%. For these reasons, this variant has been classified as Pathogenic.

Center of Human Genetics, Hôpital Erasme
Classification: Likely pathogenic for TELO2-related intellectual disability-neurodevelopmental disorder. Last evaluated: 2025-01-01. Review status: criteria provided, single submitter. Criteria: ACMG Guidelines, 2015. Collection method: clinical testing. Allele origin: inherited. Affected: yes.

Blueprint Genetics
Classification: Likely pathogenic for TELO2-related disorders. Last evaluated: 2023-11-28. Review status: criteria provided, single submitter. Criteria: ACMG Guidelines, 2015. Collection method: clinical testing. Allele origin: germline. Affected: yes. Observed: 5 variant alleles.

Greenwood Genetic Center Diagnostic Laboratories, Greenwood Genetic Center
Classification: Uncertain significance. Last evaluated: 2021-02-02. Review status: criteria provided, single submitter. Criteria: ACMG Guidelines, 2015. Collection method: clinical testing. Allele origin: germline. Affected: yes.
Comment: PM3, PM2

Literature cited by the submitters: PubMed 28944240 (cited by Labcorp Genetics (formerly Invitae), Labcorp).

NM_016111.4(TELO2):c.2312T>C (p.Leu771Ser)

Gene: TELO2 (telomere maintenance 2; plus strand). Cytogenetic location: 16p13.3.
Variant type: single nucleotide variant.
Coding change: c.2312T>C on transcript NM_016111.4 (MANE Select); coding-DNA position 2312, T replaced by C.
Protein change: p.Leu771Ser; replaces leucine 771 with serine.
Molecular consequence: missense variant.
Genome position (GRCh38, 1-based): chr16:1,507,621, T>C. VCF-style: chr16-1507621-T-C. GRCh37 (hg19) VCF-style: chr16-1557622-T-C.
Other names: c.2312T>C, p.Leu771Ser (NM_001351846.2); c.2312T>C (NM_016111.3); short protein forms L771S.
Identifiers: ClinVar variation 1331679 (VCV001331679.11), dbSNP rs201230315, ClinGen allele CA7812623.
Genomic context (GRCh38, chr16:1,507,621, plus strand): 5'-TGGTCCCTGCCGAGCTCAGCCCCCGCCTTCTTGCCGGCAGCTACGTGCGCCAGGGGCTGT[T>C]GTCGGCCGTCTCCTCCGTCCTGCTCAGCCTGCCTGCTGCGCGCCTGCTGGAGGACCTGAT-3'
Protein context (NP_057195.2, residues 761-781): HIDAYVRQGL[Leu771Ser]SAVSSVLLSL